The following is an entry in ClinVar:

NM_182914.3(SYNE2):c.6185A>G (p.Glu2062Gly)

Gene: SYNE2 (spectrin repeat containing nuclear envelope protein 2; plus strand). Cytogenetic location: 14q23.2.
Variant type: single nucleotide variant.
Coding change: c.6185A>G on transcript NM_182914.3 (MANE Select); coding-DNA position 6185, A replaced by G.
Protein change: p.Glu2062Gly; replaces glutamic acid 2062 with glycine.
Molecular consequence: missense variant.
Genome position (GRCh38, 1-based): chr14:64,025,354, A>G. VCF-style: chr14-64025354-A-G. GRCh37 (hg19) VCF-style: chr14-64492072-A-G.
Other names: c.6185A>G, p.Glu2062Gly (NM_015180.6); short protein forms E2062G.
Identifiers: ClinVar variation 2197005 (VCV002197005.4), dbSNP rs181966989, ClinGen allele CA7220634.

ClinVar aggregate classification (germline): Uncertain significance (1 of 4 stars; one submission).

Conditions:
Emery-Dreifuss muscular dystrophy 5, autosomal dominant (EDMD5). Also called: EMERY-DREIFUSS MUSCULAR DYSTROPHY 5. Identifiers: Orphanet 261, MedGen C2751805, MONDO:0013072, OMIM 612999.

Allele frequency attached by ClinVar (database versions not stated): gnomAD 0.00001; TOPMed 0.00001; ExAC 0.00004; 1000 Genomes Project 0.00020; 1000 Genomes Project 30x 0.00031.
gnomAD v4.1: 20 of 1,614,048 alleles (0.0012%); highest among the groups gnomAD compares: East Asian, 0.04%; no homozygotes.

Submission:

Labcorp Genetics (formerly Invitae), Labcorp
Classification: Uncertain significance for Emery-Dreifuss muscular dystrophy 5, autosomal dominant. Last evaluated: 2022-04-06. Review status: criteria provided, single submitter. Criteria: Invitae Variant Classification Sherloc (09022015). Collection method: clinical testing. Allele origin: germline.
Comment: In summary, the available evidence is currently insufficient to determine the role of this variant in disease. Therefore, it has been classified as a Variant of Uncertain Significance. Algorithms developed to predict the effect of missense changes on protein structure and function are either unavailable or do not agree on the potential impact of this missense change (SIFT: "Deleterious"; PolyPhen-2: "Benign"; Align-GVGD: "Class C0"). This variant has not been reported in the literature in individuals affected with SYNE2-related conditions. This variant is present in population databases (rs181966989, gnomAD 0.02%). This sequence change replaces glutamic acid, which is acidic and polar, with glycine, which is neutral and non-polar, at codon 2062 of the SYNE2 protein (p.Glu2062Gly).